The following is an entry in ClinVar:

NM_024809.5(TCTN2):c.191-116C>T

Gene: TCTN2 (tectonic family member 2; plus strand). Cytogenetic location: 12q24.31.
Variant type: single nucleotide variant.
Coding change: c.191-116C>T on transcript NM_024809.5 (MANE Select); 116 bases into the intron before coding-DNA position 191, C replaced by T.
Molecular consequence: intron variant.
Genome position (GRCh38, 1-based): chr12:123,671,940, C>T. VCF-style: chr12-123671940-C-T. GRCh37 (hg19) VCF-style: chr12-124156487-C-T.
Other names: c.191-116C>T (NM_001143850.3).
Identifiers: ClinVar variation 675007 (VCV000675007.1), dbSNP rs12817757, ClinGen allele CA15724364.

ClinVar aggregate classification (germline): Benign (1 of 4 stars; one submission).

Allele frequency attached by ClinVar (database versions not stated): 1000 Genomes Project 0.27137; 1000 Genomes Project 30x 0.27577; gnomAD exomes 0.34773; gnomAD 0.35664 and 0.36371; TOPMed 0.35694.
gnomAD v4.1: 312,307 of 893,570 alleles (35%); highest among the groups gnomAD compares: African/African-American, 41%; 57,967 homozygotes.

Submission:

GeneDx
Classification: Benign. Last evaluated: 2018-06-14. Review status: criteria provided, single submitter. Criteria: GeneDx Variant Classification (06012015). Collection method: clinical testing. Allele origin: germline. Affected: yes.
Comment: This variant is considered likely benign or benign based on one or more of the following criteria: it is a conservative change, it occurs at a poorly conserved position in the protein, it is predicted to be benign by multiple in silico algorithms, and/or has population frequency not consistent with disease.